The following is an entry in ClinVar:

ClinVar aggregate classification (germline): Uncertain significance (1 of 4 stars; one submission).

Conditions:
Peroxisome biogenesis disorder 2B (PBD2B). Identifiers: Orphanet 44, MedGen C3550234, MONDO:0008736, OMIM 202370.

Allele frequency attached by ClinVar (database versions not stated): ExAC 0.00001; ESP Exome Variant Server 0.00008.
gnomAD v4.1: 1 of 1,614,042 alleles (0.000062%); highest among the groups gnomAD compares: Non-Finnish European, 0.000085%; no homozygotes.

Submission:

Labcorp Genetics (formerly Invitae), Labcorp
Classification: Uncertain significance for Peroxisome biogenesis disorder 2B. Last evaluated: 2025-03-01. Review status: criteria provided, single submitter. Criteria: Invitae Variant Classification Sherloc (09022015). Collection method: clinical testing. Allele origin: germline.
Comment: This sequence change replaces proline, which is neutral and non-polar, with arginine, which is basic and polar, at codon 638 of the PEX5 protein (p.Pro638Arg). This variant is present in population databases (rs138706552, gnomAD 0.0009%). This variant has not been reported in the literature in individuals affected with PEX5-related conditions. ClinVar contains an entry for this variant (Variation ID: 938540). An algorithm developed to predict the effect of missense changes on protein structure and function (PolyPhen-2) suggests that this variant is likely to be tolerated. In summary, the available evidence is currently insufficient to determine the role of this variant in disease. Therefore, it has been classified as a Variant of Uncertain Significance.

NM_001351132.2(PEX5):c.1913C>G (p.Pro638Arg)

Gene: PEX5 (peroxisomal biogenesis factor 5; plus strand). Cytogenetic location: 12p13.31.
Variant type: single nucleotide variant.
Coding change: c.1913C>G on transcript NM_001351132.2 (MANE Select); coding-DNA position 1913, C replaced by G.
Protein change: p.Pro638Arg; replaces proline 638 with arginine.
Molecular consequence: missense variant.
Genome position (GRCh38, 1-based): chr12:7,210,216, C>G. VCF-style: chr12-7210216-C-G. GRCh37 (hg19) VCF-style: chr12-7362812-C-G.
Other names: c.1802C>G, p.Pro601Arg (NM_001374646.1, NM_001374648.2, NM_001131024.2 and 7 more transcripts); c.1913C>G, p.Pro638Arg (NM_001374647.2, NM_001131025.2, NM_001131026.2 and 4 more transcripts); c.1778C>G, p.Pro593Arg (NM_001374649.2, NM_001351139.2, NM_001351140.2); c.1889C>G, p.Pro630Arg (NM_000319.5); c.1958C>G, p.Pro653Arg (NM_001131023.2); c.1847C>G, p.Pro616Arg (NM_001351135.3, NM_001351138.2); c.1904C>G, p.Pro635Arg (NM_001351136.2); short protein forms P601R, P638R, P616R, P635R, P630R, P593R, P653R.
Identifiers: ClinVar variation 938540 (VCV000938540.7), dbSNP rs138706552, ClinGen allele CA6426622.